The following is an entry in ClinVar:

NM_018699.4(PRDM5):c.1463A>G (p.Glu488Gly)

Gene: PRDM5 (PR/SET domain 5; minus strand). Cytogenetic location: 4q27.
Variant type: single nucleotide variant.
Coding change: c.1463A>G on transcript NM_018699.4 (MANE Select); coding-DNA position 1463, A replaced by G.
Protein change: p.Glu488Gly; replaces glutamic acid 488 with glycine.
Molecular consequence: missense variant.
Genome position (GRCh38, 1-based): chr4:120,777,262, T>C on the plus strand (A>G on the coding strand, the complement: PRDM5 is on the minus strand). VCF-style: chr4-120777262-T-C. GRCh37 (hg19) VCF-style: chr4-121698417-T-C.
Other names: c.1370A>G, p.Glu457Gly (NM_001300823.2, NM_001300824.2, NM_001379106.1); c.1496A>G, p.Glu499Gly (NM_001379104.1); short protein forms E499G, E457G, E488G.
Identifiers: ClinVar variation 4614743 (VCV004614743.1).
Genomic context (GRCh38, chr4:120,777,262, plus strand): 5'-ATATGAACTCTGAGTGTACCACTGCTGGCAAATTTCTGGCCACAATATGGACAGATTTTC[T>C]CCTTTTCTCCTGTATGTGTCTAAAAGGAAAGGGATAAAAAGGCTAAGGATAAATACAAAG-3'
Protein context (NP_061169.2, residues 478-498): SHKKTHTGEK[Glu488Gly]KICPYCGQKF

ClinVar aggregate classification (germline): Uncertain significance (1 of 4 stars; one submission).

Conditions:
Cardiovascular phenotype. Identifiers: MedGen CN230736.

gnomAD v4.1: 3 of 1,613,320 alleles (0.00019%); highest among the groups gnomAD compares: Non-Finnish European, 0.00025%; no homozygotes.

Submission:

Ambry Genetics
Classification: Uncertain significance for Cardiovascular phenotype. Last evaluated: 2025-10-01. Review status: criteria provided, single submitter. Criteria: Ambry Variant Classification Scheme 2023. Collection method: clinical testing. Allele origin: germline.
Comment: The p.E488G variant (also known as c.1463A>G), located in coding exon 13 of the PRDM5 gene, results from an A to G substitution at nucleotide position 1463. The glutamic acid at codon 488 is replaced by glycine, an amino acid with similar properties. This amino acid position is conserved. In addition, this alteration is predicted to be tolerated by in silico analysis. Based on the available evidence, the clinical significance of this variant remains unclear.